The following is an entry in ClinVar:

NM_000238.4(KCNH2):c.434C>T (p.Thr145Ile)

Gene: KCNH2 (potassium voltage-gated channel subfamily H member 2; minus strand). Cytogenetic location: 7q36.1.
Variant type: single nucleotide variant.
Coding change: c.434C>T on transcript NM_000238.4 (MANE Select); coding-DNA position 434, C replaced by T.
Protein change: p.Thr145Ile; replaces threonine 145 with isoleucine.
Molecular consequence: missense variant.
Genome position (GRCh38, 1-based): chr7:150,959,610, G>A on the plus strand (C>T on the coding strand, the complement: KCNH2 is on the minus strand). VCF-style: chr7-150959610-G-A. GRCh37 (hg19) VCF-style: chr7-150656698-G-A.
Other names: c.146C>T, p.Thr49Ile (NM_001406753.1, NM_001406756.1); c.257C>T, p.Thr86Ile (NM_001406755.1); c.134C>T, p.Thr45Ile (NM_001406757.1); c.434C>T, p.Thr145Ile (NM_172056.3); short protein forms T145I, T86I, T45I, T49I.
Identifiers: ClinVar variation 1047559 (VCV001047559.10), dbSNP rs1801497068, ClinGen allele CA369863661.

ClinVar aggregate classification (germline): Uncertain significance. Review status: criteria provided, multiple submitters, no conflicts (2 of 4 stars). 3 submissions from 3 submitters: Uncertain significance (3). Last evaluated 2024-04-25.

Conditions:
Long QT syndrome 2 (LQT2). Identifiers: Orphanet 101016, Orphanet 768, MedGen C3150943, MONDO:0013367, OMIM 613688.
Short QT syndrome type 1. Identifiers: Orphanet 51083, MedGen C1865020, MONDO:0012312, OMIM 609620.
Long QT syndrome (LQTS). Identifiers: MedGen C0023976, MeSH D008133, MONDO:0002442. Disease mechanism: loss of function. Inheritance: Various modes of inheritance.

Allele frequency attached by ClinVar (database versions not stated): gnomAD exomes below 0.00001.
gnomAD v4.1: 1 of 1,614,124 alleles (0.000062%); highest among the groups gnomAD compares: Non-Finnish European, 0.000085%; no homozygotes.

Submissions (3):

All of Us Research Program, National Institutes of Health
Classification: Uncertain significance for Long QT syndrome. Last evaluated: 2024-04-25. Review status: criteria provided, single submitter. Criteria: ACMG Guidelines, 2015. Collection method: clinical testing. Allele origin: germline. Inheritance: Autosomal dominant inheritance. Observed: 1 variant allele, 1 heterozygote.
Comment: This missense variant replaces threonine with isoleucine at codon 145 of the KCNH2 protein. Computational prediction suggests that this variant may not impact protein structure and function (internally defined REVEL score threshold <= 0.5, PMID: 27666373). To our knowledge, functional studies have not been reported for this variant. This variant has not been reported in individuals affected with KCNH2-related disorders in the literature. This variant has not been identified in the general population by the Genome Aggregation Database (gnomAD). The available evidence is insufficient to determine the role of this variant in disease conclusively. Therefore, this variant is classified as a Variant of Uncertain Significance.

This study involves interpretation of variants in research participants for the purpose of population health screening. Participant phenotype was not available at the time of variant classification. Additional details can be found in publication PMID: 35346344, PMCID: PMC8962531

Labcorp Genetics (formerly Invitae), Labcorp
Classification: Uncertain significance for Long QT syndrome. Last evaluated: 2022-07-19. Review status: criteria provided, single submitter. Criteria: Invitae Variant Classification Sherloc (09022015). Collection method: clinical testing. Allele origin: germline.
Comment: Algorithms developed to predict the effect of missense changes on protein structure and function (SIFT, PolyPhen-2, Align-GVGD) all suggest that this variant is likely to be tolerated. ClinVar contains an entry for this variant (Variation ID: 1047559). This variant has not been reported in the literature in individuals affected with KCNH2-related conditions. This variant is not present in population databases (gnomAD no frequency). This sequence change replaces threonine, which is neutral and polar, with isoleucine, which is neutral and non-polar, at codon 145 of the KCNH2 protein (p.Thr145Ile). In summary, the available evidence is currently insufficient to determine the role of this variant in disease. Therefore, it has been classified as a Variant of Uncertain Significance.

Fulgent Genetics
Classification: Uncertain significance for Short QT syndrome type 1; Long QT syndrome 2. Last evaluated: 2021-08-30. Review status: criteria provided, single submitter. Criteria: ACMG Guidelines, 2015. Collection method: clinical testing. Allele origin: unknown.